The following is an entry in ClinVar:

NM_004738.5(VAPB):c.542A>G (p.Gln181Arg)

Gene: VAPB (VAMP associated protein B and C; plus strand). Cytogenetic location: 20q13.32.
Variant type: single nucleotide variant.
Coding change: c.542A>G on transcript NM_004738.5 (MANE Select); coding-DNA position 542, A replaced by G.
Protein change: p.Gln181Arg; replaces glutamine 181 with arginine.
Molecular consequence: missense variant. On other transcripts: non-coding transcript variant (1), intron variant (1).
Genome position (GRCh38, 1-based): chr20:58,441,052, A>G. VCF-style: chr20-58441052-A-G. GRCh37 (hg19) VCF-style: chr20-57016108-A-G.
Other names: c.212-3025A>G (NM_001195677.2); short protein forms Q181R.
Identifiers: ClinVar variation 2176064 (VCV002176064.4), dbSNP rs760717241, ClinGen allele CA9924278.

ClinVar aggregate classification (germline): Uncertain significance (1 of 4 stars; one submission).

Conditions:
Adult-onset proximal spinal muscular atrophy, autosomal dominant. Also called: FINKEL LATE-ADULT TYPE SMA; Spinal muscular atrophy, late-onset, finkel type. Identifiers: Orphanet 209335, MedGen C1854058, MONDO:0008453, OMIM 182980.
Amyotrophic lateral sclerosis type 8 (ALS8). Identifiers: Orphanet 803, MedGen C1837728, MONDO:0012077, OMIM 608627.

Allele frequency attached by ClinVar (database versions not stated): gnomAD 0.00001; TOPMed 0.00002; ExAC 0.00008.
gnomAD v4.1: 20 of 1,614,024 alleles (0.0012%); highest among the groups gnomAD compares: Admixed American, 0.033%; no homozygotes.

Submission:

Labcorp Genetics (formerly Invitae), Labcorp
Classification: Uncertain significance for Adult-onset proximal spinal muscular atrophy, autosomal dominant; Amyotrophic lateral sclerosis type 8. Last evaluated: 2025-04-02. Review status: criteria provided, single submitter. Criteria: Invitae Variant Classification Sherloc (09022015). Collection method: clinical testing. Allele origin: germline.
Comment: This sequence change replaces glutamine, which is neutral and polar, with arginine, which is basic and polar, at codon 181 of the VAPB protein (p.Gln181Arg). This variant is present in population databases (rs760717241, gnomAD 0.06%), and has an allele count higher than expected for a pathogenic variant. This variant has not been reported in the literature in individuals affected with VAPB-related conditions. ClinVar contains an entry for this variant (Variation ID: 2176064). Invitae Evidence Modeling of protein sequence and biophysical properties (such as structural, functional, and spatial information, amino acid conservation, physicochemical variation, residue mobility, and thermodynamic stability) indicates that this missense variant is not expected to disrupt VAPB protein function with a negative predictive value of 80%. In summary, the available evidence is currently insufficient to determine the role of this variant in disease. Therefore, it has been classified as a Variant of Uncertain Significance.